The following is an entry in ClinVar:

NM_004360.5(CDH1):c.176A>T (p.Asp59Val)

Gene: CDH1 (cadherin 1; plus strand). Cytogenetic location: 16q22.1.
Variant type: single nucleotide variant.
Coding change: c.176A>T on transcript NM_004360.5 (MANE Select); coding-DNA position 176, A replaced by T.
Protein change: p.Asp59Val; replaces aspartic acid 59 with valine.
Molecular consequence: missense variant. On other transcripts: 5 prime UTR variant (2).
Genome position (GRCh38, 1-based): chr16:68,801,682, A>T. VCF-style: chr16-68801682-A-T. GRCh37 (hg19) VCF-style: chr16-68835585-A-T.
Other names: c.176A>T, p.Asp59Val (NM_001317184.2); c.-1440A>T (NM_001317185.2); c.-1644A>T (NM_001317186.2); short protein forms D59V.
Identifiers: ClinVar variation 4632664 (VCV004632664.1).
Genomic context (GRCh38, chr16:68,801,682, plus strand): 5'-GTCTTTAATCTGTCCAATTTCCTAATCTCTGTGATTTCTGCCCTGCAGTGAATTTTGAAG[A>T]TTGCACCGGTCGACAAAGGACAGCCTATTTTTCCCTCGACACCCGATTCAAAGTGGGCAC-3'
Protein context (NP_004351.1, residues 49-69): GRVLGRVNFE[Asp59Val]CTGRQRTAYF

ClinVar aggregate classification (germline): Uncertain significance (1 of 4 stars; one submission).

Conditions:
Hereditary cancer-predisposing syndrome. Also called: Neoplastic Syndromes, Hereditary; Tumor predisposition; Hereditary Cancer Syndrome; Hereditary neoplastic syndrome. Identifiers: Orphanet 140162, MedGen C0027672, MeSH D009386, MONDO:0015356.

Submission:

Ambry Genetics
Classification: Uncertain significance for Hereditary cancer-predisposing syndrome. Last evaluated: 2025-11-04. Review status: criteria provided, single submitter. Criteria: Ambry Variant Classification Scheme 2023. Collection method: clinical testing. Allele origin: germline.
Comment: The p.D59V variant (also known as c.176A>T), located in coding exon 3 of the CDH1 gene, results from an A to T substitution at nucleotide position 176. The aspartic acid at codon 59 is replaced by valine, an amino acid with highly dissimilar properties. This amino acid position is conserved. In addition, this alteration is predicted to be tolerated by in silico analysis. Based on the available evidence, the clinical significance of this variant remains unclear.